The following is an entry in ClinVar:

NM_002382.5(MAX):c.172-6204G>C

Gene: MAX (MYC associated transcriptional regulator X; minus strand). Cytogenetic location: 14q23.3.
Variant type: single nucleotide variant.
Coding change: c.172-6204G>C on transcript NM_002382.5 (MANE Select); 6204 bases into the intron before coding-DNA position 172, G replaced by C.
Molecular consequence: intron variant. On other transcripts: missense variant (3), 3 prime UTR variant (1), non-coding transcript variant (4).
Genome position (GRCh38, 1-based): chr14:65,084,240, C>G on the plus strand (G>C on the coding strand, the complement: MAX is on the minus strand). VCF-style: chr14-65084240-C-G. GRCh37 (hg19) VCF-style: chr14-65550958-C-G.
Other names: c.204G>C, p.Gln68His (NM_001271068.2, NM_001407113.1); c.*5G>C (NM_001407114.1); c.231G>C, p.Gln77His (NM_145114.3); c.144+9468G>C (NM_001271069.2); c.171+9468G>C (NM_197957.4); c.-196-6204G>C (NM_001407112.1, NM_001407111.1); c.-103-6204G>C (NM_001407106.1, NM_001407107.1, NM_001320415.2 and 1 more transcripts); c.145-6204G>C (NM_001407095.1, NM_001407110.1, NM_001407102.1 and 6 more transcripts); and 2 more; short protein forms Q68H, Q77H.
Identifiers: ClinVar variation 5023963 (VCV005023963.1).

ClinVar aggregate classification (germline): Uncertain significance (1 of 4 stars; one submission).

Conditions:
Hereditary cancer-predisposing syndrome. Also called: Neoplastic Syndromes, Hereditary; Tumor predisposition; Hereditary neoplastic syndrome; Hereditary Cancer Syndrome. Identifiers: Orphanet 140162, MedGen C0027672, MeSH D009386, MONDO:0015356.

gnomAD v4.1: 3 of 1,614,062 alleles (0.00019%); highest among the groups gnomAD compares: African/African-American, 0.0013%; no homozygotes.

Submission:

Ambry Genetics
Classification: Uncertain significance for Hereditary cancer-predisposing syndrome. Last evaluated: 2026-07-06. Review status: criteria provided, single submitter. Criteria: Ambry Variant Classification Scheme 2023. Collection method: clinical testing. Allele origin: germline.
Comment: The p.Q77H variant (also known as c.231G>C), located in coding exon 4 of the MAX gene, results from a G to C substitution at nucleotide position 231. The glutamine at codon 77 is replaced by histidine, an amino acid with highly similar properties. This amino acid position is conserved. In addition, this alteration is predicted to be tolerated by in silico analysis. Based on the available evidence, the clinical significance of this variant remains unclear.